The following is an entry in ClinVar:

NM_001376.5(DYNC1H1):c.10294G>A (p.Glu3432Lys)

Gene: DYNC1H1 (dynein cytoplasmic 1 heavy chain 1; plus strand). Cytogenetic location: 14q32.31.
Variant type: single nucleotide variant.
Coding change: c.10294G>A on transcript NM_001376.5 (MANE Select); coding-DNA position 10294, G replaced by A.
Protein change: p.Glu3432Lys; replaces glutamic acid 3432 with lysine.
Molecular consequence: missense variant.
Genome position (GRCh38, 1-based): chr14:102,033,365, G>A. VCF-style: chr14-102033365-G-A. GRCh37 (hg19) VCF-style: chr14-102499702-G-A.
Other names: c.10294G>A (NM_001376.4); short protein forms E3432K.
Identifiers: ClinVar variation 1481866 (VCV001481866.9), dbSNP rs2152591792, ClinGen allele CA391023777.

ClinVar aggregate classification (germline): Uncertain significance. Review status: criteria provided, multiple submitters, no conflicts (2 of 4 stars). 2 submissions from 2 submitters: Uncertain significance (2). Last evaluated 2026-08-17.

Conditions:
DYNC1H1-related disorder. Also called: DYNC1H1-related disorders; DYNC1H1-related condition. Identifiers: MedGen CN381529.
Charcot-Marie-Tooth disease axonal type 2O. Also called: CHARCOT-MARIE-TOOTH NEUROPATHY, AXONAL, TYPE 2O; CHARCOT-MARIE-TOOTH DISEASE, AXONAL, AUTOSOMAL DOMINANT, TYPE 2O; Charcot-Marie-Tooth disease, axonal, type 20; Charcot-Marie-Tooth Neuropathy Type 2O. Identifiers: Orphanet 284232, MedGen C3280220, MONDO:0013644, OMIM 614228.

gnomAD v4.1: 3 of 1,614,206 alleles (0.00019%); highest among the groups gnomAD compares: African/African-American, 0.0013%; no homozygotes.

Submissions (2):

PreventionGenetics, part of Exact Sciences
Classification: Uncertain significance for DYNC1H1-related condition. Last evaluated: 2026-08-17. Review status: criteria provided, single submitter. Criteria: ACMG Guidelines, 2015. Collection method: clinical testing. Allele origin: germline.
Comment: The DYNC1H1 c.10294G>A variant is predicted to result in the amino acid substitution p.Glu3432Lys. To our knowledge, this variant has not been reported in the literature or in a large population database (gnomAD), indicating this variant is rare. At this time, the clinical significance of this variant is uncertain due to the absence of conclusive functional and genetic evidence.

Labcorp Genetics (formerly Invitae), Labcorp
Classification: Uncertain significance for Charcot-Marie-Tooth disease axonal type 2O. Last evaluated: 2024-07-11. Review status: criteria provided, single submitter. Criteria: Invitae Variant Classification Sherloc (09022015). Collection method: clinical testing. Allele origin: germline.
Comment: This sequence change replaces glutamic acid, which is acidic and polar, with lysine, which is basic and polar, at codon 3432 of the DYNC1H1 protein (p.Glu3432Lys). This variant is not present in population databases (gnomAD no frequency). This variant has not been reported in the literature in individuals affected with DYNC1H1-related conditions. ClinVar contains an entry for this variant (Variation ID: 1481866). Advanced modeling of protein sequence and biophysical properties (such as structural, functional, and spatial information, amino acid conservation, physicochemical variation, residue mobility, and thermodynamic stability) performed at Invitae indicates that this missense variant is expected to disrupt DYNC1H1 protein function with a positive predictive value of 95%. In summary, the available evidence is currently insufficient to determine the role of this variant in disease. Therefore, it has been classified as a Variant of Uncertain Significance.